The following is an entry in ClinVar:

NM_005219.5(DIAPH1):c.3107A>C (p.Lys1036Thr)

Gene: DIAPH1 (diaphanous related formin 1; minus strand). Cytogenetic location: 5q31.3.
Variant type: single nucleotide variant.
Coding change: c.3107A>C on transcript NM_005219.5 (MANE Select); coding-DNA position 3107, A replaced by C.
Protein change: p.Lys1036Thr; replaces lysine 1036 with threonine.
Molecular consequence: missense variant.
Genome position (GRCh38, 1-based): chr5:141,528,494, T>G on the plus strand (A>C on the coding strand, the complement: DIAPH1 is on the minus strand). VCF-style: chr5-141528494-T-G. GRCh37 (hg19) VCF-style: chr5-140908061-T-G.
Other names: c.3080A>C, p.Lys1027Thr (NM_001079812.3); c.3107A>C, p.Lys1036Thr (NM_001314007.2); short protein forms K1036T, K1027T.
Identifiers: ClinVar variation 1999883 (VCV001999883.4), dbSNP rs2513624282, ClinGen allele CA361582278.

ClinVar aggregate classification (germline): Uncertain significance (1 of 4 stars; one submission).

Conditions:
Autosomal dominant nonsyndromic hearing loss 1. Also called: DEAFNESS, AUTOSOMAL DOMINANT 1, WITH OR WITHOUT THROMBOCYTOPENIA; KONIGSMARK SYNDROME. Identifiers: Orphanet 90635, MedGen C1852282, MONDO:0007424, OMIM 124900.
Progressive microcephaly-seizures-cortical blindness-developmental delay syndrome. Also called: Seizures, cortical blindness, and microcephaly syndrome. Identifiers: Orphanet 477814, MedGen C5567650, MONDO:0014714, OMIM 616632.

Submission:

Labcorp Genetics (formerly Invitae), Labcorp
Classification: Uncertain significance for Progressive microcephaly-seizures-cortical blindness-developmental delay syndrome; Autosomal dominant nonsyndromic hearing loss 1. Last evaluated: 2024-02-24. Review status: criteria provided, single submitter. Criteria: Invitae Variant Classification Sherloc (09022015). Collection method: clinical testing. Allele origin: germline.
Comment: This sequence change replaces lysine, which is basic and polar, with threonine, which is neutral and polar, at codon 1036 of the DIAPH1 protein (p.Lys1036Thr). This variant is not present in population databases (gnomAD no frequency). This variant has not been reported in the literature in individuals affected with DIAPH1-related conditions. ClinVar contains an entry for this variant (Variation ID: 1999883). An algorithm developed to predict the effect of missense changes on protein structure and function (PolyPhen-2) suggests that this variant is likely to be disruptive. In summary, the available evidence is currently insufficient to determine the role of this variant in disease. Therefore, it has been classified as a Variant of Uncertain Significance.